The following is an entry in ClinVar:

ClinVar aggregate classification (germline): Pathogenic (1 of 4 stars; one submission).

Conditions:
Developmental and epileptic encephalopathy, 9 (DEE9). Also called: Early infantile epileptic encephalopathy 9; EPILEPSY, FEMALE-RESTRICTED, WITH MENTAL RETARDATION; JUBERG-HELLMAN SYNDROME; PCDH19-Related X-Linked Female-Limited Epilepsy with Mental Retardation. Identifiers: Orphanet 101039, Orphanet 2076, MedGen C1848137, MONDO:0010246, OMIM 300088. Disease mechanism: loss of function.

Submission:

Labcorp Genetics (formerly Invitae), Labcorp
Classification: Pathogenic for Developmental and epileptic encephalopathy, 9. Last evaluated: 2020-07-02. Review status: criteria provided, single submitter. Criteria: Invitae Variant Classification Sherloc (09022015). Collection method: clinical testing. Allele origin: germline.
Comment: For these reasons, this variant has been classified as Pathogenic. Loss-of-function variants in PCDH19 are known to be pathogenic (PMID: 21053371). This variant has not been reported in the literature in individuals with PCDH19-related conditions. This variant is not present in population databases (ExAC no frequency). This sequence change creates a premature translational stop signal (p.Lys780*) in the PCDH19 gene. It is expected to result in an absent or disrupted protein product.

Literature cited by the submitters: PubMed 21053371.

NM_001184880.2(PCDH19):c.2338A>T (p.Lys780Ter)

Genes: PCDH19 (protocadherin 19; minus strand), LOC125467768 (CDK7 strongly-dependent group 2 enhancer GRCh37_chrX:99657381-99658580; plus strand). Cytogenetic location: Xq22.1.
Variant type: single nucleotide variant.
Coding change: c.2338A>T on transcript NM_001184880.2 (MANE Select); coding-DNA position 2338, A replaced by T.
Protein change: p.Lys780Ter; replaces lysine 780 with a stop codon.
Molecular consequence: nonsense.
Genome position (GRCh38, 1-based): chrX:100,402,802, T>A on the plus strand (A>T on the coding strand, the complement: PCDH19 is on the minus strand). VCF-style: chrX-100402802-T-A. GRCh37 (hg19) VCF-style: chrX-99657800-T-A.
Other names: c.2197A>T, p.Lys733Ter (NM_001105243.2, NM_020766.3); short protein forms K733*, K780*.
Identifiers: ClinVar variation 1074862 (VCV001074862.7), dbSNP rs2147533439, ClinGen allele CA414006211.